The following is an entry in ClinVar:

NM_000535.7(PMS2):c.2483A>T (p.Lys828Met)

Gene: PMS2 (PMS1 homolog 2, mismatch repair system component; minus strand). Cytogenetic location: 7p22.1.
Variant type: single nucleotide variant.
Coding change: c.2483A>T on transcript NM_000535.7 (MANE Select); coding-DNA position 2483, A replaced by T.
Protein change: p.Lys828Met; replaces lysine 828 with methionine.
Molecular consequence: missense variant. On other transcripts: non-coding transcript variant (1).
Genome position (GRCh38, 1-based): chr7:5,973,505, T>A on the plus strand (A>T on the coding strand, the complement: PMS2 is on the minus strand). VCF-style: chr7-5973505-T-A. GRCh37 (hg19) VCF-style: chr7-6013136-T-A.
Other names: c.2078A>T, p.Lys693Met (NM_001322003.2, NM_001322004.2, NM_001322005.2 and 11 more transcripts); c.2327A>T, p.Lys776Met (NM_001322006.2); c.2165A>T, p.Lys722Met (NM_001322007.2, NM_001322008.2, NM_001406883.1); c.2111A>T, p.Lys704Met (NM_001322009.2, NM_001406887.1, NM_001406888.1); c.1922A>T, p.Lys641Met (NM_001322010.2, NM_001406906.1, NM_001406907.1); c.1550A>T, p.Lys517Met (NM_001322011.2, NM_001322012.2); c.2285A>T, p.Lys762Met (NM_001406873.1); c.2315A>T, p.Lys772Met (NM_001406874.1, NM_001406872.1); and 20 more; short protein forms K427M, K670M, K673M, K716M, K641M, K657M, K666M, K704M.
Identifiers: ClinVar variation 4824569 (VCV004824569.1).

ClinVar aggregate classification (germline): Uncertain significance (1 of 4 stars; one submission).

Conditions:
Hereditary cancer-predisposing syndrome. Also called: Neoplastic Syndromes, Hereditary; Hereditary neoplastic syndrome; Tumor predisposition; Hereditary Cancer Syndrome. Identifiers: Orphanet 140162, MedGen C0027672, MeSH D009386, MONDO:0015356.

Submission:

Ambry Genetics
Classification: Uncertain significance for Hereditary cancer-predisposing syndrome. Last evaluated: 2026-02-15. Review status: criteria provided, single submitter. Criteria: Ambry Variant Classification Scheme 2023. Collection method: clinical testing. Allele origin: germline.
Comment: The p.K828M variant (also known as c.2483A>T), located in coding exon 15 of the PMS2 gene, results from an A to T substitution at nucleotide position 2483. The lysine at codon 828 is replaced by methionine, an amino acid with similar properties. This amino acid position is conserved. In addition, the in silico prediction for this alteration is inconclusive. Based on the available evidence, the clinical significance of this variant remains unclear.